The following is an entry in ClinVar:

ClinVar aggregate classification (germline): Uncertain significance (1 of 4 stars; one submission).

Conditions:
Niemann-Pick disease, type C1. Also called: NEUROVISCERAL STORAGE DISEASE WITH VERTICAL SUPRANUCLEAR OPHTHALMOPLEGIA; NIEMANN-PICK DISEASE WITH CHOLESTEROL ESTERIFICATION BLOCK; NIEMANN-PICK DISEASE WITHOUT SPHINGOMYELINASE DEFICIENCY; NIEMANN-PICK DISEASE, CHRONIC NEURONOPATHIC FORM; NIEMANN-PICK DISEASE, VARIANT TYPE C1. Identifiers: Orphanet 646, MedGen C3179455, MONDO:0009757, OMIM 257220.

Submission:

Labcorp Genetics (formerly Invitae), Labcorp
Classification: Uncertain significance for Niemann-Pick disease, type C1. Last evaluated: 2019-12-16. Review status: criteria provided, single submitter. Criteria: Invitae Variant Classification Sherloc (09022015). Collection method: clinical testing. Allele origin: germline.
Comment: In summary, the available evidence is currently insufficient to determine the role of this variant in disease. Therefore, it has been classified as a Variant of Uncertain Significance. Algorithms developed to predict the effect of missense changes on protein structure and function are either unavailable or do not agree on the potential impact of this missense change (SIFT: "Tolerated"; PolyPhen-2: "Possibly Damaging"; Align-GVGD: "Class C0"). This sequence change replaces proline with alanine at codon 254 of the NPC1 protein (p.Pro254Ala). The proline residue is highly conserved and there is a small physicochemical difference between proline and alanine. This variant is not present in population databases (ExAC no frequency). This variant has not been reported in the literature in individuals with NPC1-related conditions.

NM_000271.5(NPC1):c.760C>G (p.Pro254Ala)

Gene: NPC1 (NPC intracellular cholesterol transporter 1; minus strand). Cytogenetic location: 18q11.2.
Variant type: single nucleotide variant.
Coding change: c.760C>G on transcript NM_000271.5 (MANE Select); coding-DNA position 760, C replaced by G.
Protein change: p.Pro254Ala; replaces proline 254 with alanine.
Molecular consequence: missense variant.
Genome position (GRCh38, 1-based): chr18:23,560,352, G>C on the plus strand (C>G on the coding strand, the complement: NPC1 is on the minus strand). VCF-style: chr18-23560352-G-C. GRCh37 (hg19) VCF-style: chr18-21140316-G-C.
Other names: short protein forms P254A.
Identifiers: ClinVar variation 854368 (VCV000854368.9), dbSNP rs2059020379, ClinGen allele CA401781183.
Genomic context (GRCh38, chr18:23,560,352, plus strand): 5'-TCCACATGATGACATACATGGCGTCCAAGCCAAGGATCGTCCAGGGAGCAGGAGGAGGTG[G>C]GGGCTGGGGCTTGGGGCCACAGACAATAGAGCAGTCTTGGCAGCTACATGGTGCTGTGAC-3'
Protein context (NP_000262.2, residues 244-264): SIVCGPKPQP[Pro254Ala]PPPAPWTILG